The following is an entry in ClinVar:

ClinVar aggregate classification (germline): Uncertain significance. Review status: criteria provided, multiple submitters, no conflicts (2 of 4 stars). 2 submissions from 2 submitters: Uncertain significance (2). Last evaluated 2025-01-24.

Conditions:
PEX12-related disorder. Also called: PEX12-related condition; PEX12-related disorders.
Peroxisome biogenesis disorder 3A (Zellweger). Also called: PEROXISOMAL BIOGENESIS DISORDER 3A (ZELLWEGER); Peroxisome biogenesis disorder 3A. Identifiers: Orphanet 912, MedGen C3553929, MONDO:0013927, OMIM 614859.

Allele frequency attached by ClinVar (database versions not stated): gnomAD 0.00003; gnomAD exomes 0.00003 and 0.00007; ExAC 0.00004; TOPMed 0.00005; ESP Exome Variant Server 0.00015; 1000 Genomes Project 0.00020; 1000 Genomes Project 30x 0.00031.

Submissions (2):

PreventionGenetics, part of Exact Sciences
Classification: Uncertain significance for PEX12-related condition. Last evaluated: 2025-01-24. Review status: criteria provided, single submitter. Criteria: ACMG Guidelines, 2015. Collection method: clinical testing. Allele origin: germline.
Comment: The PEX12 c.20A>G variant is predicted to result in the amino acid substitution p.His7Arg. To our knowledge, this variant has not been reported in the literature. This variant is reported in 0.13% of alleles in individuals of Ashkenazi Jewish descent in gnomAD. At this time, the clinical significance of this variant is uncertain due to the absence of conclusive functional and genetic evidence.

Labcorp Genetics (formerly Invitae), Labcorp
Classification: Uncertain significance for Peroxisome biogenesis disorder 3A (Zellweger). Last evaluated: 2024-01-22. Review status: criteria provided, single submitter. Criteria: Invitae Variant Classification Sherloc (09022015). Collection method: clinical testing. Allele origin: germline.
Comment: This sequence change replaces histidine, which is basic and polar, with arginine, which is basic and polar, at codon 7 of the PEX12 protein (p.His7Arg). This variant is present in population databases (rs143621995, gnomAD 0.1%). This variant has not been reported in the literature in individuals affected with PEX12-related conditions. ClinVar contains an entry for this variant (Variation ID: 972404). An algorithm developed to predict the effect of missense changes on protein structure and function (PolyPhen-2) suggests that this variant is likely to be disruptive. In summary, the available evidence is currently insufficient to determine the role of this variant in disease. Therefore, it has been classified as a Variant of Uncertain Significance.

NM_000286.3(PEX12):c.20A>G (p.His7Arg)

Gene: PEX12 (peroxisomal biogenesis factor 12; minus strand). Cytogenetic location: 17q12.
Variant type: single nucleotide variant.
Coding change: c.20A>G on transcript NM_000286.3 (MANE Select); coding-DNA position 20, A replaced by G.
Protein change: p.His7Arg; replaces histidine 7 with arginine.
Molecular consequence: missense variant.
Genome position (GRCh38, 1-based): chr17:35,578,002, T>C on the plus strand (A>G on the coding strand, the complement: PEX12 is on the minus strand). VCF-style: chr17-35578002-T-C. GRCh37 (hg19) VCF-style: chr17-33905021-T-C.
Other names: short protein forms H7R.
Identifiers: ClinVar variation 972404 (VCV000972404.5), dbSNP rs143621995, ClinGen allele CA8505002.